The following is an entry in ClinVar:

NM_000059.4(BRCA2):c.3870C>A (p.Cys1290Ter)

Gene: BRCA2 (BRCA2 DNA repair associated; plus strand). Cytogenetic location: 13q13.1.
Variant type: single nucleotide variant.
Coding change: c.3870C>A on transcript NM_000059.4 (MANE Select); coding-DNA position 3870, C replaced by A.
Protein change: p.Cys1290Ter; replaces cysteine 1290 with a stop codon.
Molecular consequence: nonsense.
Genome position (GRCh38, 1-based): chr13:32,338,225, C>A. VCF-style: chr13-32338225-C-A. GRCh37 (hg19) VCF-style: chr13-32912362-C-A.
Other names: short protein forms C1290*.
Identifiers: ClinVar variation 491263 (VCV000491263.13), dbSNP rs1555283445, ClinGen allele CA387778704.

ClinVar aggregate classification (germline): Pathogenic. Review status: criteria provided, multiple submitters, no conflicts (2 of 4 stars). 3 submissions from 3 submitters: Pathogenic (3). Last evaluated 2025-09-22.

Conditions:
Hereditary breast ovarian cancer syndrome. Also called: Hereditary breast and/or ovarian cancer syndrome; BRCA1- and BRCA2-Associated Hereditary Breast and Ovarian Cancer; Breast and ovarian cancer; Hereditary breast and ovarian cancer; Hereditary breast and ovarian cancer syndrome; Hereditary breast and ovarian cancer syndrome (HBOC). Identifiers: Orphanet 145, MedGen C0677776, MeSH D061325, MONDO:0003582. Disease mechanism: loss of function.
Hereditary cancer-predisposing syndrome. Also called: Hereditary neoplastic syndrome; Tumor predisposition; Hereditary Cancer Syndrome; Neoplastic Syndromes, Hereditary. Identifiers: Orphanet 140162, MedGen C0027672, MeSH D009386, MONDO:0015356.

Submissions (3):

Labcorp Genetics (formerly Invitae), Labcorp
Classification: Pathogenic for Hereditary breast ovarian cancer syndrome. Last evaluated: 2025-09-22. Review status: criteria provided, single submitter. Criteria: Invitae Variant Classification Sherloc (09022015). Collection method: clinical testing. Allele origin: germline.
Comment: This sequence change creates a premature translational stop signal (p.Cys1290*) in the BRCA2 gene. It is expected to result in an absent or disrupted protein product. Loss-of-function variants in BRCA2 are known to be pathogenic (PMID: 20104584). This variant is not present in population databases (gnomAD no frequency). This variant has not been reported in the literature in individuals affected with BRCA2-related conditions. ClinVar contains an entry for this variant (Variation ID: 491263). For these reasons, this variant has been classified as Pathogenic.

Color Diagnostics, LLC DBA Color Health
Classification: Pathogenic for Hereditary cancer-predisposing syndrome. Last evaluated: 2024-12-16. Review status: criteria provided, single submitter. Criteria: ACMG Guidelines, 2015. Collection method: clinical testing. Allele origin: germline.
Comment: This variant changes 1 nucleotide in exon 11 of the BRCA2 gene, creating a premature translation stop signal. This variant is expected to result in an absent or non-functional protein product. To our knowledge, this variant has not been reported in individuals affected with hereditary cancer in the literature. This variant has not been identified in the general population by the Genome Aggregation Database (gnomAD). Loss of BRCA2 function is a known mechanism of disease. Based on the available evidence, this variant is classified as Pathogenic.

GeneDx
Classification: Pathogenic. Last evaluated: 2022-10-27. Review status: criteria provided, single submitter. Criteria: GeneDx Variant Classification Process June 2021. Collection method: clinical testing. Allele origin: germline. Affected: yes.
Comment: Nonsense variant predicted to result in protein truncation or nonsense mediated decay in a gene for which loss of function is a known mechanism of disease; Not observed at significant frequency in large population cohorts (gnomAD); Truncating variants in this gene are considered pathogenic by a well-established clinical consortium and/or database; Has not been previously published as pathogenic or benign to our knowledge; Also known as 4098C>A; This variant is associated with the following publications: (PMID: 31589614)

Literature cited by the submitters: PubMed 20104584 (cited by Labcorp Genetics (formerly Invitae), Labcorp).